The following is an entry in ClinVar:

ClinVar aggregate classification (germline): Uncertain significance (1 of 4 stars; one submission).

Conditions:
Joubert syndrome 23 (JBTS23). Identifiers: Orphanet 475, MedGen C4084822, MONDO:0014664, OMIM 616490.
Short-rib thoracic dysplasia 14 with polydactyly (SRTD14). Identifiers: Orphanet 397715, MedGen C4225286, MONDO:0014688, OMIM 616546.

Submission:

Labcorp Genetics (formerly Invitae), Labcorp
Classification: Uncertain significance for Joubert syndrome 23; Short-rib thoracic dysplasia 14 with polydactyly. Last evaluated: 2022-08-19. Review status: criteria provided, single submitter. Criteria: Invitae Variant Classification Sherloc (09022015). Collection method: clinical testing. Allele origin: germline.
Comment: In summary, the available evidence is currently insufficient to determine the role of this variant in disease. Therefore, it has been classified as a Variant of Uncertain Significance. Algorithms developed to predict the effect of missense changes on protein structure and function are either unavailable or do not agree on the potential impact of this missense change (SIFT: "Deleterious"; PolyPhen-2: "Probably Damaging"; Align-GVGD: "Class C0"). This variant has not been reported in the literature in individuals affected with KIAA0586-related conditions. This variant is not present in population databases (gnomAD no frequency). This sequence change replaces glycine, which is neutral and non-polar, with valine, which is neutral and non-polar, at codon 1050 of the KIAA0586 protein (p.Gly1050Val).

NM_001329943.3(KIAA0586):c.2990G>T (p.Gly997Val)

Gene: KIAA0586 (KIAA0586; plus strand). Cytogenetic location: 14q23.1.
Variant type: single nucleotide variant.
Coding change: c.2990G>T on transcript NM_001329943.3 (MANE Select); coding-DNA position 2990, G replaced by T.
Protein change: p.Gly997Val; replaces glycine 997 with valine.
Molecular consequence: missense variant.
Genome position (GRCh38, 1-based): chr14:58,482,558, G>T. VCF-style: chr14-58482558-G-T. GRCh37 (hg19) VCF-style: chr14-58949276-G-T.
Other names: c.3149G>T, p.Gly1050Val (NM_001244189.2); c.2945G>T, p.Gly982Val (NM_001244190.2); c.2735G>T, p.Gly912Val (NM_001244191.2, NM_001329945.2, NM_001364700.1 and 1 more transcripts); c.2858G>T, p.Gly953Val (NM_001244192.2); c.2570G>T, p.Gly857Val (NM_001244193.2); c.2990G>T, p.Gly997Val (NM_001329944.2, NM_001329946.2, NM_001329947.2); c.2762G>T, p.Gly921Val (NM_014749.5); short protein forms G1050V, G857V, G912V, G921V, G953V, G982V, G997V.
Identifiers: ClinVar variation 1716958 (VCV001716958.5), dbSNP rs2543532229, ClinGen allele CA389879726.